The following is an entry in ClinVar:

NM_001130987.2(DYSF):c.4173C>A (p.Asn1391Lys)

Gene: DYSF (dysferlin; plus strand). Cytogenetic location: 2p13.2.
Variant type: single nucleotide variant.
Coding change: c.4173C>A on transcript NM_001130987.2 (MANE Select); coding-DNA position 4173, C replaced by A.
Protein change: p.Asn1391Lys; replaces asparagine 1391 with lysine.
Molecular consequence: missense variant.
Genome position (GRCh38, 1-based): chr2:71,611,578, C>A. VCF-style: chr2-71611578-C-A. GRCh37 (hg19) VCF-style: chr2-71838708-C-A.
Other names: c.4122C>A, p.Asn1374Lys (NM_001130455.2, NM_001130983.2); c.4077C>A, p.Asn1359Lys (NM_001130976.2, NM_001130977.2); c.4119C>A, p.Asn1373Lys (NM_001130978.2, NM_003494.4); c.4212C>A, p.Asn1404Lys (NM_001130979.2); c.4170C>A, p.Asn1390Lys (NM_001130980.2, NM_001130981.2); c.4215C>A, p.Asn1405Lys (NM_001130982.2); c.4080C>A, p.Asn1360Lys (NM_001130984.2, NM_001130986.2); c.4173C>A, p.Asn1391Lys (NM_001130985.2); short protein forms N1359K, N1360K, N1374K, N1390K, N1391K, N1404K, N1405K, N1373K.
Identifiers: ClinVar variation 1932275 (VCV001932275.2), dbSNP rs976126934, ClinGen allele CA49779104.

ClinVar aggregate classification (germline): Uncertain significance (1 of 4 stars; one submission).

Conditions:
Neuromuscular disease caused by qualitative or quantitative defects of dysferlin. Also called: Qualitative or quantitative defects of dysferlin; Dysferlinopathy. Identifiers: Orphanet 207073, MedGen C2931687, MONDO:0016145.

Allele frequency attached by ClinVar (database versions not stated): TOPMed 0.00001.
gnomAD v4.1: 7 of 1,614,128 alleles (0.00043%); highest among the groups gnomAD compares: South Asian, 0.0011%; no homozygotes.

Submission:

Labcorp Genetics (formerly Invitae), Labcorp
Classification: Uncertain significance for Neuromuscular disease caused by qualitative or quantitative defects of dysferlin. Last evaluated: 2022-06-20. Review status: criteria provided, single submitter. Criteria: Invitae Variant Classification Sherloc (09022015). Collection method: clinical testing. Allele origin: germline.
Comment: This sequence change replaces asparagine, which is neutral and polar, with lysine, which is basic and polar, at codon 1373 of the DYSF protein (p.Asn1373Lys). This variant is present in population databases (no rsID available, gnomAD 0.0009%). This missense change has been observed in individual(s) with limb-girdle muscular dystrophy (PMID: 25214167). Advanced modeling of protein sequence and biophysical properties (such as structural, functional, and spatial information, amino acid conservation, physicochemical variation, residue mobility, and thermodynamic stability) performed at Invitae indicates that this missense variant is not expected to disrupt DYSF protein function. In summary, the available evidence is currently insufficient to determine the role of this variant in disease. Therefore, it has been classified as a Variant of Uncertain Significance.

Literature cited by the submitters: PubMed 25214167.